The following is an entry in ClinVar:

ClinVar aggregate classification (germline): Uncertain significance (1 of 4 stars; one submission).

Allele frequency attached by ClinVar (database versions not stated): gnomAD 0.00001; gnomAD exomes 0.00002 and 0.00007; TOPMed 0.00003.
gnomAD v4.1: 100 of 1,549,968 alleles (0.0065%); highest among the groups gnomAD compares: Non-Finnish European, 0.0084%; no homozygotes.

Submission:

GeneDx
Classification: Uncertain significance. Last evaluated: 2021-06-15. Review status: criteria provided, single submitter. Criteria: GeneDx Variant Classification Process June 2021. Collection method: clinical testing. Allele origin: germline. Affected: yes.
Comment: This variant is associated with the following publications: (PMID: 27535533)

NM_001292063.2(OTOG):c.8336G>T (p.Cys2779Phe)

Gene: OTOG (otogelin; plus strand). Cytogenetic location: 11p15.1.
Variant type: single nucleotide variant.
Coding change: c.8336G>T on transcript NM_001292063.2 (MANE Select); coding-DNA position 8336, G replaced by T.
Protein change: p.Cys2779Phe; replaces cysteine 2779 with phenylalanine.
Molecular consequence: missense variant.
Genome position (GRCh38, 1-based): chr11:17,642,167, G>T. VCF-style: chr11-17642167-G-T. GRCh37 (hg19) VCF-style: chr11-17663714-G-T.
Other names: c.8372G>T, p.Cys2791Phe (NM_001277269.2); short protein forms C2779F, C2791F.
Identifiers: ClinVar variation 1191126 (VCV001191126.2), dbSNP rs895157683, ClinGen allele CA218456838.